The following is an entry in ClinVar:

NM_001303256.3(MORC2):c.1519A>T (p.Thr507Ser)

Gene: MORC2 (MORC family CW-type zinc finger 2; minus strand). Cytogenetic location: 22q12.2.
Variant type: single nucleotide variant.
Coding change: c.1519A>T on transcript NM_001303256.3 (MANE Select); coding-DNA position 1519, A replaced by T.
Protein change: p.Thr507Ser; replaces threonine 507 with serine.
Molecular consequence: missense variant.
Genome position (GRCh38, 1-based): chr22:30,937,017, T>A on the plus strand (A>T on the coding strand, the complement: MORC2 is on the minus strand). VCF-style: chr22-30937017-T-A. GRCh37 (hg19) VCF-style: chr22-31333004-T-A.
Other names: c.1519A>T, p.Thr507Ser (NM_001303257.2); c.1333A>T, p.Thr445Ser (NM_014941.3); short protein forms T445S, T507S.
Identifiers: ClinVar variation 2575603 (VCV002575603.1), dbSNP rs2517586425, ClinGen allele CA411237583.

ClinVar aggregate classification (germline): Uncertain significance (1 of 4 stars; one submission).

gnomAD v4.1: 1 of 1,613,562 alleles (0.000062%); no homozygotes.

Submission:

GeneDx
Classification: Uncertain significance. Last evaluated: 2023-02-09. Review status: criteria provided, single submitter. Criteria: GeneDx Variant Classification Process June 2021. Collection method: clinical testing. Allele origin: germline. Affected: yes.
Comment: Not observed at significant frequency in large population cohorts (gnomAD); In silico analysis supports that this missense variant has a deleterious effect on protein structure/function; Has not been previously published as pathogenic or benign to our knowledge